The following is an entry in ClinVar:

ClinVar aggregate classification (germline): Benign (1 of 4 stars; one submission).

Conditions:
Purine-nucleoside phosphorylase deficiency. Also called: Immunodeficiency due to purine nucleoside phosphorylase deficiency; NUCLEOSIDE PHOSPHORYLASE DEFICIENCY. Identifiers: Orphanet 760, MedGen C0268125, MONDO:0013171, OMIM 613179.

Allele frequency attached by ClinVar (database versions not stated): 1000 Genomes Project 0.03714; 1000 Genomes Project 30x 0.03795; gnomAD 0.03996 and 0.04093; TOPMed 0.04353.

Submission:

Illumina Laboratory Services, Illumina
Classification: Benign for Purine-nucleoside phosphorylase deficiency. Last evaluated: 2018-01-13. Review status: criteria provided, single submitter. Criteria: ICSL Variant Classification Criteria 13 December 2019. Collection method: clinical testing. Allele origin: germline.
Comment: This variant was observed in the ICSL laboratory as part of a predisposition screen in an ostensibly healthy population. It had not been previously curated by ICSL or reported in the Human Gene Mutation Database (HGMD: prior to June 1st, 2018), and was therefore a candidate for classification through an automated scoring system. Utilizing variant allele frequency, disease prevalence and penetrance estimates, and inheritance mode, an automated score was calculated to assess if this variant is too frequent to cause the disease. Based on the score and internal cut-off values, a variant classified as benign is not then subjected to further curation. The score for this variant resulted in a classification of benign for this disease.

NM_000270.3(PNP):c.*1057T>C

Gene: PNP (purine nucleoside phosphorylase; plus strand). Cytogenetic location: 14q11.2.
Variant type: single nucleotide variant.
Coding change: c.*1057T>C on transcript NM_000270.3; 1057 bases downstream of the stop codon, T replaced by C.
Genome position (GRCh38, 1-based): chr14:20,477,658, T>C. VCF-style: chr14-20477658-T-C. GRCh37 (hg19) VCF-style: chr14-20945817-T-C.
Identifiers: ClinVar variation 312749 (VCV000312749.7), dbSNP rs60379427, ClinGen allele CA10643869.